The following is an entry in ClinVar:

NM_001211.6(BUB1B):c.863C>T (p.Ser288Phe)

Gene: BUB1B (BUB1 mitotic checkpoint serine/threonine kinase B; plus strand). Cytogenetic location: 15q15.1.
Variant type: single nucleotide variant.
Coding change: c.863C>T on transcript NM_001211.6 (MANE Select); coding-DNA position 863, C replaced by T.
Protein change: p.Ser288Phe; replaces serine 288 with phenylalanine.
Molecular consequence: missense variant.
Genome position (GRCh38, 1-based): chr15:40,185,276, C>T. VCF-style: chr15-40185276-C-T. GRCh37 (hg19) VCF-style: chr15-40477477-C-T.
Other names: short protein forms S288F.
Identifiers: ClinVar variation 1764128 (VCV001764128.3), dbSNP rs2140890756, ClinGen allele CA391684434.

ClinVar aggregate classification (germline): Uncertain significance (1 of 4 stars; one submission).

Conditions:
Inborn genetic diseases. Identifiers: MedGen C0950123, MeSH D030342.

Allele frequency attached by ClinVar (database versions not stated): gnomAD exomes below 0.00001.
gnomAD v4.1: 1 of 1,614,140 alleles (0.000062%); no homozygotes.

Submission:

Ambry Genetics
Classification: Uncertain significance for Inborn genetic diseases. Last evaluated: 2025-04-18. Review status: criteria provided, single submitter. Criteria: Ambry Variant Classification Scheme 2023. Collection method: clinical testing. Allele origin: germline.
Comment: The p.S288F variant (also known as c.863C>T), located in coding exon 7 of the BUB1B gene, results from a C to T substitution at nucleotide position 863. The serine at codon 288 is replaced by phenylalanine, an amino acid with highly dissimilar properties. This amino acid position is conserved. In addition, this alteration is predicted to be tolerated by in silico analysis. Since supporting evidence is limited at this time, the clinical significance of this alteration remains unclear.